The following is an entry in ClinVar:

ClinVar aggregate classification (germline): Pathogenic. Review status: criteria provided, single submitter (1 of 4 stars). 2 submissions from 2 submitters: Pathogenic (1). 1 of the submissions does not count toward it. Last evaluated 2026-06-10.

Conditions:
BAAT-related disorder. Also called: BAAT-related condition.
Bile acid conjugation defect 1. Also called: HYPERCHOLANEMIA, FAMILIAL 3. Identifiers: MedGen C5543203, MONDO:0030991, OMIM 619232.

Allele frequency attached by ClinVar (database versions not stated): gnomAD exomes 0.00001 and 0.00002; gnomAD 0.00002 and 0.00018; ExAC 0.00003; TOPMed 0.00049.
gnomAD v4.1: 39 of 1,614,160 alleles (0.0024%); highest among the groups gnomAD compares: East Asian, 0.0022%; no homozygotes.

Submissions (2):

PreventionGenetics, part of Exact Sciences
Classification: Pathogenic for BAAT-related condition. Last evaluated: 2026-06-10. Review status: criteria provided, single submitter. Criteria: ACMG Guidelines, 2015. Collection method: clinical testing. Allele origin: germline.
Comment: The BAAT c.226A>G variant is predicted to result in the amino acid substitution p.Met76Val. This variant has been reported in the homozygous state in individuals with familial hypercholanemia (FHC) and is considered a founder variant in the Lancaster County, Pennsylvania Amish community (Carlton et al. 2003. PubMed ID: 12704386; Strauss and Puffenberger. 2009. PubMed ID: 19630565; Wallace et al. 2020 [Updated 2023]). It has also been identified in the heterozygous state in Amish individuals with FHC who were homozygous for the TJP2 founder variant (c.143T>C; p.Val48Ala). In the studied families, some individuals homozygous for the TJP2 variant alone were unaffected, suggesting that TJP2 may exhibit incomplete penetrance and that oligogenic inheritance involving the BAAT variant may modify its penetrance (Carlton et al. 2003. PubMed ID: 12704386). This variant is reported in 0.0047% of alleles in individuals of European (Non-Finnish) descent in gnomAD. This variant is interpreted as pathogenic.

OMIM
Classification: Pathogenic for HYPERCHOLANEMIA, FAMILIAL 3. Last evaluated: 2003-05-01. Review status: no assertion criteria provided. Collection method: literature only. Allele origin: germline. Not counted in ClinVar's aggregate classification.

Literature cited by the submitters: PubMed 12704386 (cited by OMIM).

NM_001701.4(BAAT):c.226A>G (p.Met76Val)

Gene: BAAT (bile acid-CoA:amino acid N-acyltransferase; minus strand). Cytogenetic location: 9q31.1.
Variant type: single nucleotide variant.
Coding change: c.226A>G on transcript NM_001701.4 (MANE Select); coding-DNA position 226, A replaced by G.
Protein change: p.Met76Val; replaces methionine 76 with valine.
Molecular consequence: missense variant.
Genome position (GRCh38, 1-based): chr9:101,371,179, T>C on the plus strand (A>G on the coding strand, the complement: BAAT is on the minus strand). VCF-style: chr9-101371179-T-C. GRCh37 (hg19) VCF-style: chr9-104133461-T-C.
Other names: c.226A>G, p.Met76Val (NM_001127610.2, NM_001374715.1); c.226A>G (NM_001701.3); short protein forms M76V.
Identifiers: ClinVar variation 6720 (VCV000006720.5), dbSNP rs28937579, ClinGen allele CA118444.